The following is an entry in ClinVar:

NM_001943.5(DSG2):c.2477T>C (p.Leu826Ser)

Genes: DSG2-AS1 (DSG2 antisense RNA 1; minus strand), DSG2 (desmoglein 2; plus strand). Cytogenetic location: 18q12.1.
Variant type: single nucleotide variant.
Coding change: c.2477T>C on transcript NM_001943.5 (MANE Select); coding-DNA position 2477, T replaced by C.
Protein change: p.Leu826Ser; replaces leucine 826 with serine.
Molecular consequence: missense variant. On other transcripts: non-coding transcript variant (1).
Genome position (GRCh38, 1-based): chr18:31,545,863, T>C. VCF-style: chr18-31545863-T-C. GRCh37 (hg19) VCF-style: chr18-29125826-T-C.
Other names: short protein forms L826S.
Identifiers: ClinVar variation 3075213 (VCV003075213.1), dbSNP rs2510922212, ClinGen allele CA402144677.
Genomic context (GRCh38, chr18:31,545,863, plus strand): 5'-CGCTGAATGCTTCTATTGGTTGTTGCAGTTTTATTGAAGGAGAGCTAGATGACCGCTTCT[T>C]AGATGATTTGGGACTTAAATTCAAGACACTAGCTGAAGTTTGCCTGGGTCAAAAAATAGA-3'
Protein context (NP_001934.2, residues 816-836): FIEGELDDRF[Leu826Ser]DDLGLKFKTL

ClinVar aggregate classification (germline): Uncertain significance (1 of 4 stars; one submission).

Conditions:
Arrhythmogenic right ventricular cardiomyopathy (ARVD). Also called: Arrhythmogenic right ventricular dysplasia; Cardiomyopathy, ARVC; Arrhythmogenic cardiomyopathy; Arrhythmogenic Right Ventricular Cardiomyopathy (ARVC). Identifiers: Orphanet 247, MedGen C0349788, MeSH D019571, MONDO:0016587. Disease mechanism: loss of function. Inheritance: Various modes of inheritance.

Allele frequency attached by ClinVar (database versions not stated): gnomAD exomes below 0.00001.

Submission:

All of Us Research Program, National Institutes of Health
Classification: Uncertain significance for Arrhythmogenic right ventricular cardiomyopathy. Last evaluated: 2024-01-11. Review status: criteria provided, single submitter. Criteria: ACMG Guidelines, 2015. Collection method: clinical testing. Allele origin: germline. Inheritance: Autosomal dominant inheritance. Observed: 1 variant allele, 1 heterozygote.
Comment: This study involves interpretation of variants in research participants for the purpose of population health screening. Participant phenotype was not available at the time of variant classification. Additional details can be found in publication PMID: 35346344, PMCID: PMC8962531